The following is an entry in ClinVar:

ClinVar aggregate classification (germline): Pathogenic (1 of 4 stars; one submission).

Conditions:
Exostoses, multiple, type 2 (EXT2). Also called: Hereditary Multiple Osteochondromatosis, Type II; EXOSTOSES, MULTIPLE, TYPE II. Identifiers: Orphanet 321, MedGen C1851413, MONDO:0007586, OMIM 133701.

Submission:

Labcorp Genetics (formerly Invitae), Labcorp
Classification: Pathogenic for Exostoses, multiple, type 2. Last evaluated: 2025-09-22. Review status: criteria provided, single submitter. Criteria: Invitae Variant Classification Sherloc (09022015). Collection method: clinical testing. Allele origin: germline.
Comment: This sequence change creates a premature translational stop signal (p.His262Serfs*2) in the EXT2 gene. It is expected to result in an absent or disrupted protein product. Loss-of-function variants in EXT2 are known to be pathogenic (PMID: 10679937, 19810120). This variant is not present in population databases (gnomAD no frequency). This premature translational stop signal has been observed in individual(s) with clinical features of multiple osteochondromatosis (internal data). ClinVar contains an entry for this variant (Variation ID: 1076816). For these reasons, this variant has been classified as Pathogenic.

Literature cited by the submitters: PubMed 10679937; PubMed 19810120.

NM_207122.2(EXT2):c.783_784del (p.His262fs)

Gene: EXT2 (exostosin glycosyltransferase 2; plus strand). Cytogenetic location: 11p11.2.
Variant type: Deletion.
Coding change: c.783_784del on transcript NM_207122.2 (MANE Select); coding-DNA positions 783 to 784, 2 bases deleted (CC; older notation c.783_784delCC).
Protein change: p.His262fs; shifts the reading frame from histidine 262.
Molecular consequence: frameshift variant.
Genome position (GRCh38, 1-based): chr11:44,124,828-44,124,829, CC deleted. VCF-style (leftmost placement, unchanged base first): chr11-44124827-TCC-T. GRCh37 (hg19) VCF-style: chr11-44146377-TCC-T.
Other names: c.882_883del, p.His295fs (NM_000401.3); c.783_784del, p.His262fs (NM_001178083.3); short protein forms H262fs, H295fs.
Identifiers: ClinVar variation 1076816 (VCV001076816.11), dbSNP rs2135014852, ClinGen allele CA2499220942.